The following is an entry in ClinVar:

NM_173076.3(ABCA12):c.3248C>G (p.Ala1083Gly)

Gene: ABCA12 (ATP binding cassette subfamily A member 12; minus strand). Cytogenetic location: 2q35.
Variant type: single nucleotide variant.
Coding change: c.3248C>G on transcript NM_173076.3 (MANE Select); coding-DNA position 3248, C replaced by G.
Protein change: p.Ala1083Gly; replaces alanine 1083 with glycine.
Molecular consequence: missense variant. On other transcripts: non-coding transcript variant (1).
Genome position (GRCh38, 1-based): chr2:214,997,741, G>C on the plus strand (C>G on the coding strand, the complement: ABCA12 is on the minus strand). VCF-style: chr2-214997741-G-C. GRCh37 (hg19) VCF-style: chr2-215862465-G-C.
Other names: c.2294C>G, p.Ala765Gly (NM_015657.4); short protein forms A1083G, A765G.
Identifiers: ClinVar variation 334252 (VCV000334252.6), dbSNP rs748695468, ClinGen allele CA2091773.

ClinVar aggregate classification (germline): Uncertain significance. Review status: criteria provided, multiple submitters, no conflicts (2 of 4 stars). 2 submissions from 2 submitters: Uncertain significance (2). Last evaluated 2022-01-12.

Conditions:
Congenital ichthyosis of skin. Identifiers: MedGen C0020758.

Allele frequency attached by ClinVar (database versions not stated): ExAC 0.00002; TOPMed 0.00003; gnomAD exomes 0.00004 and 0.00005; gnomAD 0.00006.
gnomAD v4.1: 78 of 1,613,334 alleles (0.0048%); highest among the groups gnomAD compares: Non-Finnish European, 0.0064%; no homozygotes.

Submissions (2):

Labcorp Genetics (formerly Invitae), Labcorp
Classification: Uncertain significance. Last evaluated: 2022-01-12. Review status: criteria provided, single submitter. Criteria: Invitae Variant Classification Sherloc (09022015). Collection method: clinical testing. Allele origin: germline.
Comment: This sequence change replaces alanine, which is neutral and non-polar, with glycine, which is neutral and non-polar, at codon 1083 of the ABCA12 protein (p.Ala1083Gly). This variant is present in population databases (rs748695468, gnomAD 0.009%). This variant has not been reported in the literature in individuals affected with ABCA12-related conditions. ClinVar contains an entry for this variant (Variation ID: 334252). Advanced modeling of protein sequence and biophysical properties (such as structural, functional, and spatial information, amino acid conservation, physicochemical variation, residue mobility, and thermodynamic stability) performed at Invitae indicates that this missense variant is not expected to disrupt ABCA12 protein function. In summary, the available evidence is currently insufficient to determine the role of this variant in disease. Therefore, it has been classified as a Variant of Uncertain Significance.

Illumina Laboratory Services, Illumina
Classification: Uncertain significance for Congenital ichthyosis of skin. Last evaluated: 2018-01-12. Review status: criteria provided, single submitter. Criteria: ICSL Variant Classification Criteria 13 December 2019. Collection method: clinical testing. Allele origin: germline.